The following is an entry in ClinVar:

NM_006565.4(CTCF):c.337C>A (p.Leu113Ile)

Gene: CTCF (CCCTC-binding factor; plus strand). Cytogenetic location: 16q22.1.
Variant type: single nucleotide variant.
Coding change: c.337C>A on transcript NM_006565.4 (MANE Select); coding-DNA position 337, C replaced by A.
Protein change: p.Leu113Ile; replaces leucine 113 with isoleucine.
Molecular consequence: missense variant. On other transcripts: intron variant (1).
Genome position (GRCh38, 1-based): chr16:67,611,169, C>A. VCF-style: chr16-67611169-C-A. GRCh37 (hg19) VCF-style: chr16-67645072-C-A.
Other names: c.337C>A, p.Leu113Ile (NM_001363916.2); c.-32-5576C>A (NM_001191022.2); short protein forms L113I.
Identifiers: ClinVar variation 1305115 (VCV001305115.4), dbSNP rs2142824790, ClinGen allele CA396304535.
Genomic context (GRCh38, chr16:67,611,169, plus strand): 5'-ACCCAGATTATAACTTTACAGGTTGTAAATATGGAGGAACAGCCCATAAACATAGGAGAA[C>A]TTCAGCTTGTTCAAGTACCTGTTCCTGTGACTGTACCTGTTGCTACCACTTCAGTAGAAG-3'
Protein context (NP_006556.1, residues 103-123): MEEQPINIGE[Leu113Ile]QLVQVPVPVT

ClinVar aggregate classification (germline): Uncertain significance (1 of 4 stars; one submission).

gnomAD v4.1: 1 of 1,614,200 alleles (0.000062%); no homozygotes.

Submission:

GeneDx
Classification: Uncertain significance. Last evaluated: 2026-08-09. Review status: criteria provided, single submitter. Criteria: GeneDx Variant Classification Process June 2021. Collection method: clinical testing. Allele origin: germline.
Comment: Not observed at significant frequency in large population cohorts (gnomAD); In silico analysis suggests that this missense variant does not alter protein structure/function; Has not been previously published as pathogenic or benign to our knowledge